The following is an entry in ClinVar:

ClinVar aggregate classification (germline): Uncertain significance. Review status: criteria provided, multiple submitters, no conflicts (2 of 4 stars). 3 submissions from 3 submitters: Uncertain significance (3). Last evaluated 2025-12-13.

Conditions:
Familial cancer of breast. Also called: Hereditary breast cancer; hereditary breast carcinoma; BREAST CANCER, FAMILIAL. Identifiers: Orphanet 227535, MedGen C0346153, MONDO:0016419, OMIM 114480. Disease mechanism: loss of function.
Fanconi anemia complementation group J. Also called: BRIP1-Related Fanconi Anemia. Identifiers: Orphanet 84, MedGen C1836860, MONDO:0012187, OMIM 609054.
Hereditary cancer-predisposing syndrome. Also called: Neoplastic Syndromes, Hereditary; Hereditary neoplastic syndrome; Hereditary Cancer Syndrome; Tumor predisposition. Identifiers: Orphanet 140162, MedGen C0027672, MeSH D009386, MONDO:0015356.

Allele frequency attached by ClinVar (database versions not stated): gnomAD exomes below 0.00001.
gnomAD v4.1: 1 of 1,613,892 alleles (0.000062%); highest among the groups gnomAD compares: Non-Finnish European, 0.000085%; no homozygotes.

Submissions (3):

Ambry Genetics
Classification: Uncertain significance for Hereditary cancer-predisposing syndrome. Last evaluated: 2025-12-13. Review status: criteria provided, single submitter. Criteria: Ambry Variant Classification Scheme 2023. Collection method: clinical testing. Allele origin: germline.
Comment: The p.P931L variant (also known as c.2792C>T), located in coding exon 18 of the BRIP1 gene, results from a C to T substitution at nucleotide position 2792. The proline at codon 931 is replaced by leucine, an amino acid with similar properties. This amino acid position is conserved. In addition, this alteration is predicted to be tolerated by in silico analysis. Since supporting evidence is limited at this time, the clinical significance of this alteration remains unclear.

Baylor Genetics
Classification: Uncertain significance for Familial cancer of breast. Last evaluated: 2023-06-05. Review status: criteria provided, single submitter. Criteria: ACMG Guidelines, 2015. Collection method: clinical testing. Allele origin: unknown.

Labcorp Genetics (formerly Invitae), Labcorp
Classification: Uncertain significance for Familial cancer of breast; Fanconi anemia complementation group J. Last evaluated: 2021-12-21. Review status: criteria provided, single submitter. Criteria: Invitae Variant Classification Sherloc (09022015). Collection method: clinical testing. Allele origin: germline.
Comment: This sequence change replaces proline, which is neutral and non-polar, with leucine, which is neutral and non-polar, at codon 931 of the BRIP1 protein (p.Pro931Leu). This variant is not present in population databases (gnomAD no frequency). This variant has not been reported in the literature in individuals affected with BRIP1-related conditions. Algorithms developed to predict the effect of missense changes on protein structure and function (SIFT, PolyPhen-2, Align-GVGD) all suggest that this variant is likely to be tolerated. In summary, the available evidence is currently insufficient to determine the role of this variant in disease. Therefore, it has been classified as a Variant of Uncertain Significance.

NM_032043.3(BRIP1):c.2792C>T (p.Pro931Leu)

Gene: BRIP1 (BRCA1 interacting DNA helicase 1; minus strand). Cytogenetic location: 17q23.2.
Variant type: single nucleotide variant.
Coding change: c.2792C>T on transcript NM_032043.3 (MANE Select); coding-DNA position 2792, C replaced by T.
Protein change: p.Pro931Leu; replaces proline 931 with leucine.
Molecular consequence: missense variant.
Genome position (GRCh38, 1-based): chr17:61,685,949, G>A on the plus strand (C>T on the coding strand, the complement: BRIP1 is on the minus strand). VCF-style: chr17-61685949-G-A. GRCh37 (hg19) VCF-style: chr17-59763310-G-A.
Other names: short protein forms P931L.
Identifiers: ClinVar variation 1405202 (VCV001405202.8), dbSNP rs932408573, ClinGen allele CA400481523.